The following is an entry in ClinVar:

ClinVar aggregate classification (germline): Uncertain significance. Review status: criteria provided, multiple submitters, no conflicts (2 of 4 stars). 3 submissions from 3 submitters: Uncertain significance (3). Last evaluated 2025-05-09.

Conditions:
Ehlers-Danlos syndrome (EDS). Identifiers: Orphanet 98249, MedGen C0013720, MONDO:0020066.
Cardiovascular phenotype. Identifiers: MedGen CN230736.

Allele frequency attached by ClinVar (database versions not stated): TOPMed below 0.00001; gnomAD 0.00002 and 0.00003; gnomAD exomes 0.00003 and 0.00004; ExAC 0.00007.
gnomAD v4.1: 41 of 1,613,720 alleles (0.0025%); highest among the groups gnomAD compares: Non-Finnish European, 0.0035%; no homozygotes.

Submissions (3):

Women's Health and Genetics/Laboratory Corporation of America, LabCorp
Classification: Uncertain significance. Last evaluated: 2025-05-09. Review status: criteria provided, single submitter. Criteria: LabCorp Variant Classification Summary - May 2015. Collection method: clinical testing. Allele origin: germline.
Comment: Variant summary: TNXB c.8960G>A (p.Arg2987Lys) results in a conservative amino acid change in the encoded protein sequence. Algorithms developed to predict the effect of missense changes on protein structure and function all suggest that this variant is likely to be tolerated. The variant allele was found at a frequency of 4.5e-05 in 245858 control chromosomes (gnomAD). This frequency is not significantly higher than estimated for a pathogenic variant in TNXB causing Ehlers-Danlos syndrome due to tenascin-X deficiency (4.5e-05 vs 0.0011), allowing no conclusion about variant significance. To our knowledge, no occurrence of c.8960G>A in individuals affected with Ehlers-Danlos syndrome due to tenascin-X deficiency and no experimental evidence demonstrating its impact on protein function have been reported. ClinVar contains an entry for this variant (Variation ID: 1702356). Based on the evidence outlined above, the variant was classified as uncertain significance.

Ambry Genetics
Classification: Uncertain significance for Cardiovascular phenotype. Last evaluated: 2023-04-25. Review status: criteria provided, single submitter. Criteria: Ambry Variant Classification Scheme 2023. Collection method: clinical testing. Allele origin: germline.
Comment: The p.R2987K variant (also known as c.8960G>A), located in coding exon 25 of the TNXB gene, results from a G to A substitution at nucleotide position 8960. The arginine at codon 2987 is replaced by lysine, an amino acid with highly similar properties. This amino acid position is conserved. In addition, this alteration is predicted to be tolerated by in silico analysis. Since supporting evidence is limited at this time, the clinical significance of this alteration remains unclear.

Genome Diagnostics Laboratory, The Hospital for Sick Children
Classification: Uncertain significance for Ehlers-Danlos syndrome. Last evaluated: 2019-06-01. Review status: criteria provided, single submitter. Criteria: ACMG Guidelines, 2015. Collection method: clinical testing. Allele origin: germline.

NM_001365276.2(TNXB):c.8966G>A (p.Arg2989Lys)

Gene: TNXB (tenascin XB; minus strand). Cytogenetic location: 6p21.33.
Variant type: single nucleotide variant.
Coding change: c.8966G>A on transcript NM_001365276.2 (MANE Select); coding-DNA position 8966, G replaced by A.
Protein change: p.Arg2989Lys; replaces arginine 2989 with lysine.
Molecular consequence: missense variant.
Genome position (GRCh38, 1-based): chr6:32,052,819, C>T on the plus strand (G>A on the coding strand, the complement: TNXB is on the minus strand). VCF-style: chr6-32052819-C-T. GRCh37 (hg19) VCF-style: chr6-32020596-C-T.
Other names: c.8960G>A, p.Arg2987Lys (NM_019105.8); short protein forms R2987K, R2989K.
Identifiers: ClinVar variation 1702356 (VCV001702356.6), dbSNP rs775312280, ClinGen allele CA3733698.